The following is an entry in ClinVar:

ClinVar aggregate classification (germline): Pathogenic (1 of 4 stars; one submission).

Conditions:
DICER1-related tumor predisposition. Also called: DICER1-related pleuropulmonary blastoma cancer predisposition syndrome; DICER1 syndrome. Identifiers: Orphanet 284343, MedGen C3839822, MONDO:0100216.

Submission:

Foulkes Cancer Genetics LDI, Lady Davis Institute for Medical Research
Classification: Pathogenic for Pleuropulmonary blastoma. Last evaluated: 2019-07-01. Review status: criteria provided, single submitter. Criteria: ACMG Guidelines, 2015. Collection method: curation. Allele origin: germline. Affected: yes. Observed: 1 variant allele.
Comment: ACMG criteria met: PVS1, PM2, PP4

Literature cited by the submitters: PubMed 21266384.

NM_177438.3(DICER1):c.2988-2_2988-1inv

Gene: DICER1 (dicer 1, ribonuclease III; minus strand). Cytogenetic location: 14q32.13.
Variant type: Inversion.
Coding change: c.2988-2_2988-1inv on transcript NM_177438.3 (MANE Select).
Molecular consequence: splice acceptor variant.
Genome position: GRCh38 VCF-style: chr14-95105784-CT-AG. GRCh37 (hg19) VCF-style: chr14-95572121-CT-AG.
Other names: c.2988-2_2988-1inv (NM_001291628.2, NM_030621.4, NM_001271282.3 and 1 more transcripts).
Identifiers: ClinVar variation 933103 (VCV000933103.3), ClinGen allele CA1139663644.